The following is an entry in ClinVar:

ClinVar aggregate classification (germline): Pathogenic (1 of 4 stars; one submission).

Submission:

Athena Diagnostics
Classification: Pathogenic. Last evaluated: 2022-04-27. Review status: criteria provided, single submitter. Criteria: Athena Diagnostics Criteria. Collection method: clinical testing. Allele origin: unknown.
Comment: This variant is expected to result in the loss of a functional protein. Multiple unrelated individuals with Duchenne muscular dystrophy (DMD) have been reported with similar deletions of exons 46-55. Similar variants have not been reported in large, multi-ethnic general populations (Genome Aggregation Database (gnomAD), Cambridge, MA (URL)).

Literature cited by the submitters: PubMed 31719299; PubMed 33960727; PubMed 33644936; PubMed 31705731; PubMed 29604111; PubMed 33238405; PubMed 32194622; PubMed 34925456; PubMed 31139960; PubMed 31443951; PubMed 33101180; PubMed 31404137; PubMed 15684864; PubMed 19937601; PubMed 1864612; PubMed 2903663; PubMed 17854090; PubMed 18663755; PubMed 18752307; PubMed 17561468; PubMed 9800909; PubMed 19367636; PubMed 20036901; PubMed 16030524; PubMed 24099565; PubMed 25482253.

Single allele

Gene: DMD (dystrophin; minus strand). Cytogenetic location: Xp21.1.
Variant type: Deletion.
Identifiers: ClinVar variation 1256399 (VCV001256399.3).